The following is an entry in ClinVar:

NM_002295.6(RPSA):c.702C>T (p.Pro234=)

Gene: RPSA (ribosomal protein SA; plus strand). Cytogenetic location: 3p22.1.
Variant type: single nucleotide variant.
Coding change: c.702C>T on transcript NM_002295.6 (MANE Select); coding-DNA position 702, C replaced by T.
Protein change: p.Pro234=; no amino-acid change (proline 234 retained).
Molecular consequence: synonymous variant.
Genome position (GRCh38, 1-based): chr3:39,411,970, C>T. VCF-style: chr3-39411970-C-T. GRCh37 (hg19) VCF-style: chr3-39453461-C-T.
Other names: c.717C>T, p.Pro239= (NM_001304288.2).
Identifiers: ClinVar variation 3344854 (VCV003344854.4).

ClinVar aggregate classification (germline): Likely benign. Review status: criteria provided, multiple submitters, no conflicts (2 of 4 stars). 3 submissions from 3 submitters: Likely benign (2). 1 of the submissions does not count toward it. Last evaluated 2025-08-06.

Conditions:
RPSA-related disorder. Also called: RPSA-related condition.

gnomAD v4.1: 112 of 1,601,280 alleles (0.007%); highest among the groups gnomAD compares: Non-Finnish European, 0.0088%; no homozygotes.

Submissions (3):

Labcorp Genetics (formerly Invitae), Labcorp
Classification: Likely benign. Last evaluated: 2025-08-06. Review status: criteria provided, single submitter. Criteria: Invitae Variant Classification Sherloc (09022015). Collection method: clinical testing. Allele origin: germline.

Blueprint Genetics
Classification: Likely benign. Last evaluated: 2024-10-23. Review status: criteria provided, single submitter. Criteria: ACMG Guidelines, 2015. Collection method: clinical testing. Allele origin: germline.

PreventionGenetics, part of Exact Sciences
Classification: Likely benign for RPSA-related condition. Last evaluated: 2020-02-26. Review status: no assertion criteria provided. Collection method: clinical testing. Allele origin: germline. Not counted in ClinVar's aggregate classification.
Comment: This variant is classified as likely benign based on ACMG/AMP sequence variant interpretation guidelines (Richards et al. 2015 PMID: 25741868, with internal and published modifications).